The following is an entry in ClinVar:

ClinVar aggregate classification (germline): Likely benign. Review status: criteria provided, single submitter (1 of 4 stars). 2 submissions from 2 submitters: Likely benign (1). 1 of the submissions does not count toward it. Last evaluated 2025-06-12.

Conditions:
B4GALT1-related disorder. Also called: B4GALT1-related condition.

Allele frequency attached by ClinVar (database versions not stated): gnomAD exomes 0.00002; ExAC 0.00001; gnomAD 0.00003; TOPMed 0.00004.
gnomAD v4.1: 41 of 1,614,042 alleles (0.0025%); highest among the groups gnomAD compares: African/African-American, 0.004%; no homozygotes.

Submissions (2):

Labcorp Genetics (formerly Invitae), Labcorp
Classification: Likely benign. Last evaluated: 2025-06-12. Review status: criteria provided, single submitter. Criteria: Invitae Variant Classification Sherloc (09022015). Collection method: clinical testing. Allele origin: germline.

PreventionGenetics, part of Exact Sciences
Classification: Likely benign for B4GALT1-related condition. Last evaluated: 2020-04-20. Review status: no assertion criteria provided. Collection method: clinical testing. Allele origin: germline. Not counted in ClinVar's aggregate classification.
Comment: This variant is classified as likely benign based on ACMG/AMP sequence variant interpretation guidelines (Richards et al. 2015 PMID: 25741868, with internal and published modifications).

NM_001497.4(B4GALT1):c.459C>T (p.Leu153=)

Gene: B4GALT1 (beta-1,4-galactosyltransferase 1; minus strand). Cytogenetic location: 9p21.1.
Variant type: single nucleotide variant.
Coding change: c.459C>T on transcript NM_001497.4 (MANE Select); coding-DNA position 459, C replaced by T.
Protein change: p.Leu153=; no amino-acid change (leucine 153 retained).
Molecular consequence: synonymous variant.
Genome position (GRCh38, 1-based): chr9:33,135,378, G>A on the plus strand (C>T on the coding strand, the complement: B4GALT1 is on the minus strand). VCF-style: chr9-33135378-G-A. GRCh37 (hg19) VCF-style: chr9-33135376-G-A.
Other names: c.459C>T (NM_001497.3); c.420C>T, p.Leu140= (NM_001378495.1); c.459C>T, p.Leu153= (NM_001378496.1, NM_001378497.1).
Identifiers: ClinVar variation 2724702 (VCV002724702.5), dbSNP rs756049904, ClinGen allele CA5023767.